The following is an entry in ClinVar:

ClinVar aggregate classification (germline): Uncertain significance (1 of 4 stars; one submission).

Conditions:
CHARGE syndrome (CHARGE). Also called: Hittner Hirsch Kreh syndrome; CHARGE ASSOCIATION--COLOBOMA, HEART ANOMALY, CHOANAL ATRESIA, RETARDATION, GENITAL AND EAR ANOMALIES; Coloboma, heart anomaly, choanal atresia, retardation, genital and ear anomalies; CHARGE association; Hall-Hittner syndrome. Identifiers: Orphanet 138, MedGen C0265354, MONDO:0008965.

gnomAD v4.1: 1 of 1,613,594 alleles (0.000062%); highest among the groups gnomAD compares: African/African-American, 0.0013%; no homozygotes.

Submission:

Labcorp Genetics (formerly Invitae), Labcorp
Classification: Uncertain significance for CHARGE syndrome. Last evaluated: 2022-10-16. Review status: criteria provided, single submitter. Criteria: Invitae Variant Classification Sherloc (09022015). Collection method: clinical testing. Allele origin: germline.
Comment: In summary, the available evidence is currently insufficient to determine the role of this variant in disease. Therefore, it has been classified as a Variant of Uncertain Significance. Advanced modeling of protein sequence and biophysical properties (such as structural, functional, and spatial information, amino acid conservation, physicochemical variation, residue mobility, and thermodynamic stability) performed at Invitae indicates that this missense variant is expected to disrupt CHD7 protein function. This variant has not been reported in the literature in individuals affected with CHD7-related conditions. This variant is not present in population databases (gnomAD no frequency). This sequence change replaces arginine, which is basic and polar, with leucine, which is neutral and non-polar, at codon 1155 of the CHD7 protein (p.Arg1155Leu).

NM_017780.4(CHD7):c.3464G>T (p.Arg1155Leu)

Gene: CHD7 (chromodomain helicase DNA binding protein 7; plus strand). Cytogenetic location: 8q12.2.
Variant type: single nucleotide variant.
Coding change: c.3464G>T on transcript NM_017780.4 (MANE Select); coding-DNA position 3464, G replaced by T.
Protein change: p.Arg1155Leu; replaces arginine 1155 with leucine.
Molecular consequence: missense variant. On other transcripts: intron variant (1).
Genome position (GRCh38, 1-based): chr8:60,828,748, G>T. VCF-style: chr8-60828748-G-T. GRCh37 (hg19) VCF-style: chr8-61741307-G-T.
Other names: c.1717-33481G>T (NM_001316690.1); short protein forms R1155L.
Identifiers: ClinVar variation 1721725 (VCV001721725.5), dbSNP rs762669262, ClinGen allele CA371314300.